The following is an entry in ClinVar:

NM_014681.6(DHX34):c.1554A>G (p.Pro518=)

Gene: DHX34 (DExH-box helicase 34; plus strand). Cytogenetic location: 19q13.32.
Variant type: single nucleotide variant.
Coding change: c.1554A>G on transcript NM_014681.6 (MANE Select); coding-DNA position 1554, A replaced by G.
Protein change: p.Pro518=; no amino-acid change (proline 518 retained).
Molecular consequence: synonymous variant.
Genome position (GRCh38, 1-based): chr19:47,362,654, A>G. VCF-style: chr19-47362654-A-G. GRCh37 (hg19) VCF-style: chr19-47865911-A-G.
Identifiers: ClinVar variation 3059415 (VCV003059415.2), dbSNP rs2547390, ClinGen allele CA9538119.
Genomic context (GRCh38, chr19:47,362,654, plus strand): 5'-AGTCTGCTTCCGCCTCTATGCCGAATCGGACTATGATGCCTTCGCCCCCTACCCCGTCCC[A>G]GAAATTCGGAGGGTGGCCCTGGACTCGTTGGTGCTGCAGGTGAGGCATGGGCAGAAAGGG-3'
Protein context (NP_055496.2, residues 508-528): DYDAFAPYPV[Pro518=]EIRRVALDSL

ClinVar aggregate classification (germline): Benign (0 of 4 stars; one submission).

Conditions:
DHX34-related disorder. Also called: DHX34-related condition.

Allele frequency attached by ClinVar (database versions not stated): gnomAD exomes 0.06135; ExAC 0.08226; ESP Exome Variant Server 0.10212; gnomAD 0.10883; TOPMed 0.11815; 1000 Genomes Project 0.12161; 1000 Genomes Project 30x 0.12383.
gnomAD v4.1: 106,693 of 1,612,972 alleles (6.6%); highest among the groups gnomAD compares: African/African-American, 23%; 4,916 homozygotes.

Submission:

PreventionGenetics, part of Exact Sciences
Classification: Benign for DHX34-related condition. Last evaluated: 2019-11-06. Review status: no assertion criteria provided. Collection method: clinical testing. Allele origin: germline.
Comment: This variant is classified as benign based on ACMG/AMP sequence variant interpretation guidelines (Richards et al. 2015 PMID: 25741868, with internal and published modifications).